The following is an entry in ClinVar:

NM_020699.4(GATAD2B):c.210T>C (p.Ser70=)

Gene: GATAD2B (GATA zinc finger domain containing 2B; minus strand). Cytogenetic location: 1q21.3.
Variant type: single nucleotide variant.
Coding change: c.210T>C on transcript NM_020699.4 (MANE Select); coding-DNA position 210, T replaced by C.
Protein change: p.Ser70=; no amino-acid change (serine 70 retained).
Molecular consequence: synonymous variant.
Genome position (GRCh38, 1-based): chr1:153,828,138, A>G on the plus strand (T>C on the coding strand, the complement: GATAD2B is on the minus strand). VCF-style: chr1-153828138-A-G. GRCh37 (hg19) VCF-style: chr1-153800614-A-G.
Other names: c.210T>C (NM_020699.3).
Identifiers: ClinVar variation 1635828 (VCV001635828.10), dbSNP rs375387478, ClinGen allele CA1120913.

ClinVar aggregate classification (germline): Likely benign. Review status: criteria provided, single submitter (1 of 4 stars). 2 submissions from 2 submitters: Likely benign (1). 1 of the submissions does not count toward it. Last evaluated 2025-11-09.

Conditions:
GATAD2B-related disorder. Also called: GATAD2B-related condition.

Allele frequency attached by ClinVar (database versions not stated): gnomAD 0.00003 and 0.00004; ExAC 0.00004; TOPMed 0.00005; gnomAD exomes 0.00008 and 0.00016; ESP Exome Variant Server 0.00015.
gnomAD v4.1: 234 of 1,613,984 alleles (0.014%); highest among the groups gnomAD compares: Middle Eastern, 0.066%; no homozygotes.

Submissions (2):

Labcorp Genetics (formerly Invitae), Labcorp
Classification: Likely benign. Last evaluated: 2025-11-09. Review status: criteria provided, single submitter. Criteria: Invitae Variant Classification Sherloc (09022015). Collection method: clinical testing. Allele origin: germline.

PreventionGenetics, part of Exact Sciences
Classification: Likely benign for GATAD2B-related condition. Last evaluated: 2020-02-24. Review status: no assertion criteria provided. Collection method: clinical testing. Allele origin: germline. Not counted in ClinVar's aggregate classification.
Comment: This variant is classified as likely benign based on ACMG/AMP sequence variant interpretation guidelines (Richards et al. 2015 PMID: 25741868, with internal and published modifications).